The following is an entry in ClinVar:

NC_000009.11:g.(?_130577951)_(130582326_?)del

Gene: ENG (endoglin; minus strand). Cytogenetic location: 9q34.11.
Variant type: Deletion.
Identifiers: ClinVar variation 1068858 (VCV001068858.1).

ClinVar aggregate classification (germline): Pathogenic (1 of 4 stars; one submission).

Conditions:
Hereditary hemorrhagic telangiectasia (HHT). Also called: Osler hemorrhagic telangiectasia syndrome; ORW DISEASE; Osler Weber Rendu syndrome; OSLER-RENDU-WEBER DISEASE. Identifiers: Orphanet 774, MedGen C0039445, MONDO:0019180. Disease mechanism: loss of function.

Submission:

Labcorp Genetics (formerly Invitae), Labcorp
Classification: Pathogenic for Hereditary hemorrhagic telangiectasia. Last evaluated: 2020-10-13. Review status: criteria provided, single submitter. Criteria: Invitae Variant Classification Sherloc (09022015). Collection method: clinical testing. Allele origin: germline.
Comment: This variant is a gross deletion of the genomic region encompassing exons 9-14 of the ENG gene. The 5' boundary is likely confined to intron 8. The 3' end of this event is unknown as it extends through the termination codon beyond the assayed region for this gene and may encompass additional genes. While this deletion is not anticipated to result in nonsense mediated decay, it is expected to create a truncated protein product or disrupt mRNA translation. Deletions of exons 9-14 have been reported in individuals affected with ENG-related disease and to segregate with epistaxis and telangiectasia in one single family (PMID: 12673790, 16705692, 20414677). For these reasons, this variant has been classified as Pathogenic.

Literature cited by the submitters: PubMed 12673790; PubMed 16705692; PubMed 20414677.